The following is an entry in ClinVar:

NM_001080516.2(GRXCR2):c.663C>G (p.Asn221Lys)

Gene: GRXCR2 (glutaredoxin and cysteine rich domain containing 2; minus strand). Cytogenetic location: 5q32.
Variant type: single nucleotide variant.
Coding change: c.663C>G on transcript NM_001080516.2 (MANE Select); coding-DNA position 663, C replaced by G.
Protein change: p.Asn221Lys; replaces asparagine 221 with lysine.
Molecular consequence: missense variant.
Genome position (GRCh38, 1-based): chr5:145,859,817, G>C on the plus strand (C>G on the coding strand, the complement: GRXCR2 is on the minus strand). VCF-style: chr5-145859817-G-C. GRCh37 (hg19) VCF-style: chr5-145239380-G-C.
Other names: c.663C>G (NM_001080516.1); short protein forms N221K.
Identifiers: ClinVar variation 1365298 (VCV001365298.7), dbSNP rs576525485, ClinGen allele CA3487933.

ClinVar aggregate classification (germline): Uncertain significance. Review status: criteria provided, multiple submitters, no conflicts (2 of 4 stars). 4 submissions from 4 submitters: Uncertain significance (4). Last evaluated 2025-09-10.

Conditions:
GRXCR2-related disorder. Also called: GRXCR2-related condition.

Allele frequency attached by ClinVar (database versions not stated): gnomAD exomes 0.00004 and 0.00012; ExAC 0.00006; gnomAD 0.00013 and 0.00014; TOPMed 0.00020.
gnomAD v4.1: 74 of 1,614,090 alleles (0.0046%); highest among the groups gnomAD compares: Admixed American, 0.1%; no homozygotes.

Submissions (4):

PreventionGenetics, part of Exact Sciences
Classification: Uncertain significance for GRXCR2-related condition. Last evaluated: 2025-09-10. Review status: criteria provided, single submitter. Criteria: ACMG Guidelines, 2015. Collection method: clinical testing. Allele origin: germline.
Comment: The GRXCR2 c.663C>G variant is predicted to result in the amino acid substitution p.Asn221Lys. To our knowledge, this variant has not been reported in the literature. This variant is reported in 0.073% of alleles in individuals of Latino descent in gnomAD. Although we suspect that this variant may be benign, at this time, the clinical significance of this variant is uncertain due to the absence of conclusive functional and genetic evidence.

Ambry Genetics
Classification: Uncertain significance. Last evaluated: 2024-04-04. Review status: criteria provided, single submitter. Criteria: Ambry Variant Classification Scheme 2023. Collection method: clinical testing. Allele origin: germline.

Labcorp Genetics (formerly Invitae), Labcorp
Classification: Uncertain significance. Last evaluated: 2023-12-11. Review status: criteria provided, single submitter. Criteria: Invitae Variant Classification Sherloc (09022015). Collection method: clinical testing. Allele origin: germline.
Comment: This sequence change replaces asparagine, which is neutral and polar, with lysine, which is basic and polar, at codon 221 of the GRXCR2 protein (p.Asn221Lys). This variant is present in population databases (rs576525485, gnomAD 0.07%). This variant has not been reported in the literature in individuals affected with GRXCR2-related conditions. ClinVar contains an entry for this variant (Variation ID: 1365298). An algorithm developed to predict the effect of missense changes on protein structure and function (PolyPhen-2) suggests that this variant is likely to be disruptive. In summary, the available evidence is currently insufficient to determine the role of this variant in disease. Therefore, it has been classified as a Variant of Uncertain Significance.

Blueprint Genetics
Classification: Uncertain significance. Last evaluated: 2023-01-18. Review status: criteria provided, single submitter. Criteria: ACMG Guidelines, 2015. Collection method: clinical testing. Allele origin: germline.